The following is an entry in ClinVar:

ClinVar aggregate classification (germline): Uncertain significance. Review status: criteria provided, multiple submitters, no conflicts (2 of 4 stars). 3 submissions from 3 submitters: Uncertain significance (3). Last evaluated 2025-03-22.

Allele frequency attached by ClinVar (database versions not stated): ExAC 0.00005; ESP Exome Variant Server 0.00008; gnomAD exomes 0.00002 and below 0.00001; TOPMed 0.00019.

Submissions (3):

Ambry Genetics
Classification: Uncertain significance. Last evaluated: 2025-03-22. Review status: criteria provided, single submitter. Criteria: Ambry Variant Classification Scheme 2023. Collection method: clinical testing. Allele origin: germline.

Labcorp Genetics (formerly Invitae), Labcorp
Classification: Uncertain significance. Last evaluated: 2022-08-18. Review status: criteria provided, single submitter. Criteria: Invitae Variant Classification Sherloc (09022015). Collection method: clinical testing. Allele origin: germline.
Comment: This sequence change replaces lysine, which is basic and polar, with asparagine, which is neutral and polar, at codon 177 of the SCP2 protein (p.Lys177Asn). The frequency data for this variant in the population databases is considered unreliable, as metrics indicate poor data quality at this position in the gnomAD database. This variant has not been reported in the literature in individuals affected with SCP2-related conditions. ClinVar contains an entry for this variant (Variation ID: 502326). Algorithms developed to predict the effect of missense changes on protein structure and function (SIFT, PolyPhen-2, Align-GVGD) all suggest that this variant is likely to be tolerated. In summary, the available evidence is currently insufficient to determine the role of this variant in disease. Therefore, it has been classified as a Variant of Uncertain Significance.

Eurofins Ntd Llc (ga)
Classification: Uncertain significance. Last evaluated: 2017-05-30. Review status: criteria provided, single submitter. Criteria: EGL Classification Definitions 2015. Collection method: clinical testing. Allele origin: germline. Observed: 2 variant alleles, 2 heterozygotes.

NM_002979.5(SCP2):c.531A>T (p.Lys177Asn)

Gene: SCP2 (sterol carrier protein 2; plus strand). Cytogenetic location: 1p32.3.
Variant type: single nucleotide variant.
Coding change: c.531A>T on transcript NM_002979.5 (MANE Select); coding-DNA position 531, A replaced by T.
Protein change: p.Lys177Asn; replaces lysine 177 with asparagine.
Molecular consequence: missense variant.
Genome position (GRCh38, 1-based): chr1:52,974,776, A>T. VCF-style: chr1-52974776-A-T. GRCh37 (hg19) VCF-style: chr1-53440448-A-T.
Other names: c.399A>T, p.Lys133Asn (NM_001007098.3, NM_001193600.2); c.459A>T, p.Lys153Asn (NM_001193599.2); c.288A>T, p.Lys96Asn (NM_001193617.2); c.531A>T, p.Lys177Asn (NM_001330587.2); c.531A>T (NM_002979.4); short protein forms K177N, K153N, K96N, K133N.
Identifiers: ClinVar variation 502326 (VCV000502326.8), dbSNP rs143441016, ClinGen allele CA857148.